The following is an entry in ClinVar:

NM_004565.3(PEX14):c.806A>C (p.Asn269Thr)

Gene: PEX14 (peroxisomal biogenesis factor 14; plus strand). Cytogenetic location: 1p36.22.
Variant type: single nucleotide variant.
Coding change: c.806A>C on transcript NM_004565.3 (MANE Select); coding-DNA position 806, A replaced by C.
Protein change: p.Asn269Thr; replaces asparagine 269 with threonine.
Molecular consequence: missense variant.
Genome position (GRCh38, 1-based): chr1:10,629,659, A>C. VCF-style: chr1-10629659-A-C. GRCh37 (hg19) VCF-style: chr1-10689716-A-C.
Other names: short protein forms N269T.
Identifiers: ClinVar variation 2059337 (VCV002059337.4), dbSNP rs1221175194, ClinGen allele CA338338656.

ClinVar aggregate classification (germline): Uncertain significance (1 of 4 stars; one submission).

Conditions:
Peroxisome biogenesis disorder, complementation group K (CGK). Identifiers: MedGen C1866257, MONDO:0800365.

Submission:

Labcorp Genetics (formerly Invitae), Labcorp
Classification: Uncertain significance for Peroxisome biogenesis disorder, complementation group K. Last evaluated: 2021-12-24. Review status: criteria provided, single submitter. Criteria: Invitae Variant Classification Sherloc (09022015). Collection method: clinical testing. Allele origin: germline.
Comment: This variant is not present in population databases (gnomAD no frequency). This sequence change replaces asparagine, which is neutral and polar, with threonine, which is neutral and polar, at codon 269 of the PEX14 protein (p.Asn269Thr). This variant has not been reported in the literature in individuals affected with PEX14-related conditions. Algorithms developed to predict the effect of missense changes on protein structure and function (SIFT, PolyPhen-2, Align-GVGD) all suggest that this variant is likely to be tolerated. In summary, the available evidence is currently insufficient to determine the role of this variant in disease. Therefore, it has been classified as a Variant of Uncertain Significance.